The following is an entry in ClinVar:

NM_001142800.2(EYS):c.8573T>A (p.Leu2858Ter)

Genes: EYS (EGF-like photoreceptor maintenance factor; minus strand), PHF3 (PHD finger protein 3; plus strand). Cytogenetic location: 6q12.
Variant type: single nucleotide variant.
Coding change: c.8573T>A on transcript NM_001142800.2 (MANE Select); coding-DNA position 8573, T replaced by A.
Protein change: p.Leu2858Ter; replaces leucine 2858 with a stop codon.
Molecular consequence: nonsense. On other transcripts: 3 prime UTR variant (5).
Genome position (GRCh38, 1-based): chr6:63,721,458, A>T on the plus strand (T>A on the coding strand, the complement: EYS is on the minus strand). VCF-style: chr6-63721458-A-T. GRCh37 (hg19) VCF-style: chr6-64431354-A-T.
Other names: c.*7750A>T (NM_001290259.2, NM_001370348.2, NM_001370349.2 and 2 more transcripts); c.8636T>A, p.Leu2879Ter (NM_001292009.2); short protein forms L2858*, L2879*.
Identifiers: ClinVar variation 5003411 (VCV005003411.1).
Genomic context (GRCh38, chr6:63,721,458, plus strand): 5'-GCTGTCCCATCACAGTCACCTACATTTGAGCCACCTTTTGCTCCAAATTCAGTTAATTGT[A>T]ATTCTTGATTATTTATGATAACTTGTCGGATACAGCCTTGAAAACCTACAGGTTCATTTT-3'

ClinVar aggregate classification (germline): Pathogenic (1 of 4 stars; one submission).

Conditions:
Retinitis pigmentosa 25 (RP25). Identifiers: Orphanet 791, MedGen C1864446, MONDO:0011272, OMIM 602772.

Submission:

Myriad Genetics, Inc.
Classification: Pathogenic for Retinitis pigmentosa 25. Last evaluated: 2026-08-25. Review status: criteria provided, single submitter. Criteria: Myriad Autosomal Dominant, Autosomal Recessive and X-Linked Classification Criteria (2023). Collection method: clinical testing. Allele origin: unknown.
Comment: NM_001142800.1(EYS):c.8573T>A(L2858*) is a nonsense variant classified as pathogenic in the context of retinitis pigmentosa, EYS-related. L2858* has not been observed in cases with relevant disease. Relevant functional assessments of this variant are not available in the literature. L2858* has not been observed in referenced population frequency databases. In summary, NM_001142800.1(EYS):c.8573T>A(L2858*) is a nonsense variant in a gene where loss of function is a known mechanism of disease and is predicted to disrupt protein function. Please note: this variant was assessed in the context of healthy population screening.